The following is an entry in ClinVar:

ClinVar aggregate classification (germline): Uncertain significance (1 of 4 stars; one submission).

Submission:

Ambry Genetics
Classification: Uncertain significance. Last evaluated: 2022-09-11. Review status: criteria provided, single submitter. Criteria: Ambry Variant Classification Scheme 2023. Collection method: clinical testing. Allele origin: germline.
Comment: The p.S476C variant (also known as c.1427C>G), located in coding exon 13 of the NPAT gene, results from a C to G substitution at nucleotide position 1427. The serine at codon 476 is replaced by cysteine, an amino acid with dissimilar properties. This amino acid position is conserved. In addition, this alteration is predicted to be tolerated by in silico analysis. Since supporting evidence is limited at this time, the clinical significance of this alteration remains unclear.

NM_002519.3(NPAT):c.1427C>G (p.Ser476Cys)

Gene: NPAT (nuclear protein, coactivator of histone transcription; minus strand). Cytogenetic location: 11q22.3.
Variant type: single nucleotide variant.
Coding change: c.1427C>G on transcript NM_002519.3 (MANE Select); coding-DNA position 1427, C replaced by G.
Protein change: p.Ser476Cys; replaces serine 476 with cysteine.
Molecular consequence: missense variant.
Genome position (GRCh38, 1-based): chr11:108,173,557, G>C on the plus strand (C>G on the coding strand, the complement: NPAT is on the minus strand). VCF-style: chr11-108173557-G-C. GRCh37 (hg19) VCF-style: chr11-108044284-G-C.
Other names: c.1427C>G, p.Ser476Cys (NM_001321307.1); short protein forms S476C.
Identifiers: ClinVar variation 1772398 (VCV001772398.2), dbSNP rs2496721333, ClinGen allele CA382515268.